The following is an entry in ClinVar:

ClinVar aggregate classification (germline): Uncertain significance (1 of 4 stars; one submission).

Conditions:
Hereditary cancer-predisposing syndrome. Also called: Neoplastic Syndromes, Hereditary; Tumor predisposition; Hereditary Cancer Syndrome; Hereditary neoplastic syndrome. Identifiers: Orphanet 140162, MedGen C0027672, MeSH D009386, MONDO:0015356.

Submission:

Ambry Genetics
Classification: Uncertain significance for Hereditary cancer-predisposing syndrome. Last evaluated: 2022-06-22. Review status: criteria provided, single submitter. Criteria: Ambry Variant Classification Scheme 2023. Collection method: clinical testing. Allele origin: germline.
Comment: The p.T1206S variant (also known as c.3617C>G), located in coding exon 25 of the SMARCA4 gene, results from a C to G substitution at nucleotide position 3617. The threonine at codon 1206 is replaced by serine, an amino acid with similar properties. This amino acid position is highly conserved in available vertebrate species. In addition, this alteration is predicted to be deleterious by in silico analysis. Missense and in-frame variants in SMARCA4 are known to cause neurodevelopmental disorders; however, such associations with rhabdoid tumor predisposition syndrome including small cell carcinoma of the ovary-hypercalcemic type (SCCOHT) are exceedingly rare (Kosho T et al. Am J Med Genet C Semin Med Genet. 2014 Sep;166C(3):262-75; Jelinic P et al. Nat Genet. 2014 May;46(5):424-6). Since supporting evidence is limited at this time, the clinical significance of this alteration remains unclear.

NM_003072.5(SMARCA4):c.3617C>G (p.Thr1206Ser)

Gene: SMARCA4 (SWI/SNF related BAF chromatin remodeling complex subunit ATPase 4; plus strand). Cytogenetic location: 19p13.2.
Variant type: single nucleotide variant.
Coding change: c.3617C>G on transcript NM_003072.5 (MANE Select); coding-DNA position 3617, C replaced by G.
Protein change: p.Thr1206Ser; replaces threonine 1206 with serine.
Molecular consequence: missense variant. On other transcripts: non-coding transcript variant (1).
Genome position (GRCh38, 1-based): chr19:11,033,360, C>G. VCF-style: chr19-11033360-C-G. GRCh37 (hg19) VCF-style: chr19-11144036-C-G.
Other names: c.3617C>G, p.Thr1206Ser (NM_001128844.3, NM_001128845.2, NM_001128846.2 and 6 more transcripts); short protein forms T1206S.
Identifiers: ClinVar variation 1733275 (VCV001733275.2), dbSNP rs2146650150, ClinGen allele CA404065422.
Genomic context (GRCh38, chr19:11,033,360, plus strand): 5'-CGCAGGACCGAGCCCACCGCATCGGGCAGCAGAACGAGGTGCGTGTGCTCCGCCTCTGCA[C>G]CGTCAACAGCGTGGAGGAGAAGATCCTAGCTGCAGCCAAGTACAAGCTCAACGTGGACCA-3'
Protein context (NP_003063.2, residues 1196-1216): QNEVRVLRLC[Thr1206Ser]VNSVEEKILA